The following is an entry in ClinVar:

NM_172107.4(KCNQ2):c.195G>T (p.Gly65=)

Gene: KCNQ2 (potassium voltage-gated channel subfamily Q member 2; minus strand). Cytogenetic location: 20q13.33.
Variant type: single nucleotide variant.
Coding change: c.195G>T on transcript NM_172107.4 (MANE Select); coding-DNA position 195, G replaced by T.
Protein change: p.Gly65=; no amino-acid change (glycine 65 retained).
Molecular consequence: synonymous variant.
Genome position (GRCh38, 1-based): chr20:63,472,269, C>A on the plus strand (G>T on the coding strand, the complement: KCNQ2 is on the minus strand). VCF-style: chr20-63472269-C-A. GRCh37 (hg19) VCF-style: chr20-62103622-C-A.
Other names: c.195G>T, p.Gly65= (NM_001382235.1, NM_004518.6, NM_172106.3 and 2 more transcripts).
Identifiers: ClinVar variation 1364823 (VCV001364823.9), dbSNP rs2082235561, ClinGen allele CA511339819.

ClinVar aggregate classification (germline): Uncertain significance (1 of 4 stars; one submission).

Conditions:
Early-infantile DEE. Also called: Early infantile epileptic encephalopathy with suppression bursts; Early infantile epileptic encephalopathy; Ohtahara syndrome. Identifiers: Orphanet 1934, MedGen C0393706, MONDO:0800491.

Submission:

Labcorp Genetics (formerly Invitae), Labcorp
Classification: Uncertain significance for Early-infantile DEE. Last evaluated: 2022-08-16. Review status: criteria provided, single submitter. Criteria: Invitae Variant Classification Sherloc (09022015). Collection method: clinical testing. Allele origin: germline.
Comment: In summary, the available evidence is currently insufficient to determine the role of this variant in disease. Therefore, it has been classified as a Variant of Uncertain Significance. Algorithms developed to predict the effect of sequence changes on RNA splicing suggest that this variant may create or strengthen a splice site. ClinVar contains an entry for this variant (Variation ID: 1364823). This variant has not been reported in the literature in individuals affected with KCNQ2-related conditions. This variant is not present in population databases (gnomAD no frequency). This sequence change affects codon 65 of the KCNQ2 mRNA. It is a 'silent' change, meaning that it does not change the encoded amino acid sequence of the KCNQ2 protein.